The following is an entry in ClinVar:

NM_001006658.3(CR2):c.2045C>G (p.Ser682Cys)

Gene: CR2 (complement C3d receptor 2; plus strand). Cytogenetic location: 1q32.2.
Variant type: single nucleotide variant.
Coding change: c.2045C>G on transcript NM_001006658.3 (MANE Select); coding-DNA position 2045, C replaced by G.
Protein change: p.Ser682Cys; replaces serine 682 with cysteine.
Molecular consequence: missense variant. On other transcripts: intron variant (1).
Genome position (GRCh38, 1-based): chr1:207,473,611, C>G. VCF-style: chr1-207473611-C-G. GRCh37 (hg19) VCF-style: chr1-207646956-C-G.
Other names: c.1979-190C>G (NM_001877.5); short protein forms S682C.
Identifiers: ClinVar variation 1047128 (VCV001047128.8), dbSNP rs1658350470, ClinGen allele CA344535839.

ClinVar aggregate classification (germline): Uncertain significance (1 of 4 stars; one submission).

Conditions:
Immunodeficiency, common variable, 7. Identifiers: Orphanet 1572, Orphanet 696894, MedGen C3542922, MONDO:0013862, OMIM 614699.

Submission:

Labcorp Genetics (formerly Invitae), Labcorp
Classification: Uncertain significance for Immunodeficiency, common variable, 7. Last evaluated: 2022-02-11. Review status: criteria provided, single submitter. Criteria: Invitae Variant Classification Sherloc (09022015). Collection method: clinical testing. Allele origin: germline.
Comment: ClinVar contains an entry for this variant (Variation ID: 1047128). Algorithms developed to predict the effect of missense changes on protein structure and function are either unavailable or do not agree on the potential impact of this missense change (SIFT: "Tolerated"; PolyPhen-2: "Probably Damaging"; Align-GVGD: "Class C0"). In summary, the available evidence is currently insufficient to determine the role of this variant in disease. Therefore, it has been classified as a Variant of Uncertain Significance. This variant has not been reported in the literature in individuals affected with CR2-related conditions. This sequence change replaces serine, which is neutral and polar, with cysteine, which is neutral and slightly polar, at codon 682 of the CR2 protein (p.Ser682Cys). This variant is not present in population databases (gnomAD no frequency).